The following is an entry in ClinVar:

ClinVar aggregate classification (germline): Uncertain significance (1 of 4 stars; one submission).

Conditions:
Fanconi anemia (FA). Also called: Fanconi's anemia. Identifiers: Orphanet 84, MedGen C0015625, MeSH D005199, MONDO:0019391.

Submission:

Labcorp Genetics (formerly Invitae), Labcorp
Classification: Uncertain significance for Fanconi anemia. Last evaluated: 2022-05-09. Review status: criteria provided, single submitter. Criteria: Invitae Variant Classification Sherloc (09022015). Collection method: clinical testing. Allele origin: germline.
Comment: This sequence change replaces arginine, which is basic and polar, with isoleucine, which is neutral and non-polar, at codon 318 of the FANCI protein (p.Arg318Ile). This variant is not present in population databases (gnomAD no frequency). This variant has not been reported in the literature in individuals affected with FANCI-related conditions. Algorithms developed to predict the effect of missense changes on protein structure and function (SIFT, PolyPhen-2, Align-GVGD) all suggest that this variant is likely to be tolerated. In summary, the available evidence is currently insufficient to determine the role of this variant in disease. Therefore, it has been classified as a Variant of Uncertain Significance.

NM_001113378.2(FANCI):c.953G>T (p.Arg318Ile)

Gene: FANCI (FA complementation group I; plus strand). Cytogenetic location: 15q26.1.
Variant type: single nucleotide variant.
Coding change: c.953G>T on transcript NM_001113378.2 (MANE Select); coding-DNA position 953, G replaced by T.
Protein change: p.Arg318Ile; replaces arginine 318 with isoleucine.
Molecular consequence: missense variant.
Genome position (GRCh38, 1-based): chr15:89,273,447, G>T. VCF-style: chr15-89273447-G-T. GRCh37 (hg19) VCF-style: chr15-89816678-G-T.
Other names: c.674G>T, p.Arg225Ile (NM_001376910.1); c.953G>T, p.Arg318Ile (NM_001376911.1, NM_018193.3); short protein forms R225I, R318I.
Identifiers: ClinVar variation 2135212 (VCV002135212.1), dbSNP rs2506175598, ClinGen allele CA393741427.